The following is an entry in ClinVar:

NM_032242.4(PLXNA1):c.1358G>A (p.Arg453Gln)

Gene: PLXNA1 (plexin A1; plus strand). Cytogenetic location: 3q21.3.
Variant type: single nucleotide variant.
Coding change: c.1358G>A on transcript NM_032242.4 (MANE Select); coding-DNA position 1358, G replaced by A.
Protein change: p.Arg453Gln; replaces arginine 453 with glutamine.
Molecular consequence: missense variant.
Genome position (GRCh38, 1-based): chr3:126,991,547, G>A. VCF-style: chr3-126991547-G-A. GRCh37 (hg19) VCF-style: chr3-126710390-G-A.
Other names: short protein forms R453Q.
Identifiers: ClinVar variation 2155771 (VCV002155771.1), dbSNP rs149382163, ClinGen allele CA354376162.

ClinVar aggregate classification (germline): Uncertain significance (1 of 4 stars; one submission).

gnomAD v4.1: 16 of 1,585,304 alleles (0.001%); highest among the groups gnomAD compares: Admixed American, 0.0034%; no homozygotes.

Submission:

Labcorp Genetics (formerly Invitae), Labcorp
Classification: Uncertain significance. Last evaluated: 2021-08-12. Review status: criteria provided, single submitter. Criteria: Invitae Variant Classification Sherloc (09022015). Collection method: clinical testing. Allele origin: germline.
Comment: This sequence change replaces arginine with glutamine at codon 453 of the PLXNA1 protein (p.Arg453Gln). The arginine residue is moderately conserved and there is a small physicochemical difference between arginine and glutamine. This variant is not present in population databases (ExAC no frequency). This variant has not been reported in the literature in individuals affected with PLXNA1-related conditions. Algorithms developed to predict the effect of missense changes on protein structure and function (SIFT, PolyPhen-2, Align-GVGD) all suggest that this variant is likely to be tolerated. In summary, the available evidence is currently insufficient to determine the role of this variant in disease. Therefore, it has been classified as a Variant of Uncertain Significance.